The following is an entry in ClinVar:

ClinVar aggregate classification (germline): Uncertain significance (1 of 4 stars; one submission).

Submission:

Illumina Laboratory Services, Illumina
Classification: Uncertain significance. Last evaluated: 2023-09-01. Review status: criteria provided, single submitter. Criteria: ICSL CNVClassificationCriteria Aug2020. Collection method: clinical testing. Allele origin: unknown.
Comment: This CNV is a 589 kb duplication of 17p13.1 on chromosome 17 (seq[GRCh37]dup(17)(p13.1);NC_000017.10:g.7709286_8297901dup) that occurred de novo. This CNV encompasses 29 protein-coding genes including CHD3, and has breakpoints in DNAH2 and RNF222. This CNV has not been reported in association with a specific phenotype, nor has it been reported in control cohorts. Small variants in CHD3 have been described in association with Snijders Blok-Campeau syndrome which is characterized by developmental delay, intellectual disability, and characteristic facial features; however, there is limited information on larger duplications encompassing this gene. A duplication which partially overlaps but is larger than this CNV has been reported two siblings with features consistent with Snijders Blok-Campeau syndrome (PMID: 32483341). Based on the available evidence, this CNV is classified as a variant of uncertain significance.

Single allele

Genes: ALOX12B (arachidonate 12-lipoxygenase, 12R type; minus strand), ALOX15B (arachidonate 15-lipoxygenase type B; plus strand), ALOXE3 (arachidonate epidermal lipoxygenase 3; minus strand), ARHGEF15 (Rho guanine nucleotide exchange factor 15; plus strand), AURKB (aurora kinase B; minus strand) and 28 more. Cytogenetic location: 17p13.1.
Variant type: Duplication.
Identifiers: ClinVar variation 2671586 (VCV002671586.1).